The following is an entry in ClinVar:

ClinVar aggregate classification (germline): Pathogenic. Review status: criteria provided, multiple submitters, no conflicts (2 of 4 stars). 5 submissions from 5 submitters: Pathogenic (3). 2 of the submissions do not count toward it. Last evaluated 2023-07-11.

Conditions:
Hereditary cancer-predisposing syndrome. Also called: Tumor predisposition; Hereditary neoplastic syndrome; Hereditary Cancer Syndrome; Neoplastic Syndromes, Hereditary. Identifiers: Orphanet 140162, MedGen C0027672, MeSH D009386, MONDO:0015356.
Microcephaly, normal intelligence and immunodeficiency (NBS). Also called: IMMUNODEFICIENCY, MICROCEPHALY, AND CHROMOSOMAL INSTABILITY; Ataxia telangiectasia variant V1; SEEMANOVA SYNDROME II; BERLIN BREAKAGE SYNDROME; Immunodeficiency, microcephaly with normal intelligence; Nijmegen breakage syndrome. Identifiers: Orphanet 647, MedGen C0398791, MONDO:0009623, OMIM 251260.

Submissions (5):

Ambry Genetics
Classification: Pathogenic for Hereditary cancer-predisposing syndrome. Last evaluated: 2023-07-11. Review status: criteria provided, single submitter. Criteria: Ambry Variant Classification Scheme 2023. Collection method: clinical testing. Allele origin: germline.
Comment: The c.842dupT pathogenic mutation, located in coding exon 7 of the NBN gene, results from a duplication of T at nucleotide position 842, causing a translational frameshift with a predicted alternate stop codon (p.L281Ffs*4). This variant has been identified in a cohort of Nijmegen breakage syndrome patients (Varon R et al. Cell, 1998 May;93:467-76). This variant is considered to be rare based on population cohorts in the Genome Aggregation Database (gnomAD). In addition to the clinical data presented in the literature, this alteration is expected to result in loss of function by premature protein truncation or nonsense-mediated mRNA decay. As such, this alteration is interpreted as a disease-causing mutation.

Mendelics
Classification: Pathogenic for Microcephaly, normal intelligence and immunodeficiency. Last evaluated: 2022-05-04. Review status: criteria provided, single submitter. Criteria: Mendelics Assertion Criteria 2019. Collection method: clinical testing. Allele origin: germline.

Labcorp Genetics (formerly Invitae), Labcorp
Classification: Pathogenic for Microcephaly, normal intelligence and immunodeficiency. Last evaluated: 2021-09-07. Review status: criteria provided, single submitter. Criteria: Invitae Variant Classification Sherloc (09022015). Collection method: clinical testing. Allele origin: germline.
Comment: This sequence change creates a premature translational stop signal (p.Leu281Phefs*4) in the NBN gene. It is expected to result in an absent or disrupted protein product. Loss-of-function variants in NBN are known to be pathogenic (PMID: 9590180, 16415040). This variant is not present in population databases (ExAC no frequency). This premature translational stop signal has been observed in individual(s) with clinical features of Nijmegen breakage syndrome (PMID: 9590180). This variant is also known as 842insT. ClinVar contains an entry for this variant (Variation ID: 6943). For these reasons, this variant has been classified as Pathogenic.

GeneReviews
Classification: Pathogenic for Microcephaly, normal intelligence and immunodeficiency. Last evaluated: 2017-02-02. Review status: no assertion criteria provided. Collection method: literature only. Allele origin: germline. Not counted in ClinVar's aggregate classification.

OMIM
Classification: Pathogenic for NIJMEGEN BREAKAGE SYNDROME. Last evaluated: 1998-05-01. Review status: no assertion criteria provided. Collection method: literature only. Allele origin: germline. Not counted in ClinVar's aggregate classification.

Literature cited by the submitters: PubMed 9590180 (cited by 3 submitters); PubMed 16415040 (cited by Labcorp Genetics (formerly Invitae), Labcorp).

NM_002485.5(NBN):c.842dup (p.Leu281fs)

Gene: NBN (nibrin; minus strand). Cytogenetic location: 8q21.3.
Variant type: Duplication.
Coding change: c.842dup on transcript NM_002485.5 (MANE Select); coding-DNA position 842, one base duplicated (T; older notation c.842dupT).
Protein change: p.Leu281fs; shifts the reading frame from leucine 281.
Molecular consequence: frameshift variant.
Genome position (GRCh38, 1-based): chr8:89,970,418, A duplicated on the plus strand (T on the coding strand, the reverse complement: NBN is on the minus strand); the first of 2 consecutive A bases (chr8:89,970,418-89,970,419); duplicating either gives the same sequence. VCF-style (leftmost placement, unchanged base first): chr8-89970417-T-TA. GRCh37 (hg19) VCF-style: chr8-90982645-T-TA.
Other names: c.842insT (NM_002485.4); c.596dup, p.Leu199fs (NM_001024688.3); c.842dupT (NM_002485.4); short protein forms L281fs, L199fs.
Identifiers: ClinVar variation 6943 (VCV000006943.9), dbSNP rs864309669, ClinGen allele CA278581.
Genomic context (GRCh38, chr8:89,970,417, plus strand): 5'-TCTATACCTTTGGAGCATATCCATTATTGACTGAATCCATTTCTTCTGACAGTCAGGAAT[T>TA]AAGGTCTGTGAGTTTGTTATTCCTGTATCAACAACACACGTTCCCGGAGCCAAAAAGAAA-3'